The following is an entry in ClinVar:

NM_015270.5(ADCY6):c.845A>T (p.Asp282Val)

Gene: ADCY6 (adenylate cyclase 6; minus strand). Cytogenetic location: 12q13.12.
Variant type: single nucleotide variant.
Coding change: c.845A>T on transcript NM_015270.5 (MANE Select); coding-DNA position 845, A replaced by T.
Protein change: p.Asp282Val; replaces aspartic acid 282 with valine.
Molecular consequence: missense variant. On other transcripts: non-coding transcript variant (1).
Genome position (GRCh38, 1-based): chr12:48,782,590, T>A on the plus strand (A>T on the coding strand, the complement: ADCY6 is on the minus strand). VCF-style: chr12-48782590-T-A. GRCh37 (hg19) VCF-style: chr12-49176373-T-A.
Other names: c.845A>T, p.Asp282Val (NM_001390830.1, NM_001390831.2, NM_001412819.1 and 3 more transcripts); short protein forms D282V.
Identifiers: ClinVar variation 4012385 (VCV004012385.3).

ClinVar aggregate classification (germline): Uncertain significance. Review status: criteria provided, multiple submitters, no conflicts (2 of 4 stars). 2 submissions from 2 submitters: Uncertain significance (2). Last evaluated 2025-04-25.

Conditions:
Inborn genetic diseases. Identifiers: MedGen C0950123, MeSH D030342.
Lethal congenital contracture syndrome 8 (LCCS8). Identifiers: MedGen C4225385, MONDO:0014570, OMIM 616287.

gnomAD v4.1: 19 of 1,611,620 alleles (0.0012%); highest among the groups gnomAD compares: Admixed American, 0.03%; no homozygotes.

Submissions (2):

Ambry Genetics
Classification: Uncertain significance for Inborn genetic diseases. Last evaluated: 2025-04-25. Review status: criteria provided, single submitter. Criteria: Ambry Variant Classification Scheme 2023. Collection method: clinical testing. Allele origin: germline.

Juno Genomics, Hangzhou Juno Genomics, Inc
Classification: Uncertain significance for Lethal congenital contracture syndrome 8. Review status: criteria provided, single submitter. Criteria: ACMG Guidelines, 2015. Collection method: clinical testing. Allele origin: germline.
Comment: Absent from controls (or at extremely low frequency if recessive) in Genome Aggregation Database.;Multiple lines of computational evidence support a deleterious effect on the gene or gene product.